The following is an entry in ClinVar:

ClinVar aggregate classification (germline): Uncertain significance. Review status: criteria provided, multiple submitters, no conflicts (2 of 4 stars). 2 submissions from 2 submitters: Uncertain significance (2). Last evaluated 2024-06-04.

Conditions:
Adenine phosphoribosyltransferase deficiency (APRTD). Also called: APRT DEFICIENCY; NEPHROLITHIASIS, DHA; Urolithiasis, dha; 2,8-dihydroxyadenine urolithiasis. Identifiers: Orphanet 976, MedGen C0268120, MONDO:0013869, OMIM 614723.

Allele frequency attached by ClinVar (database versions not stated): ESP Exome Variant Server 0.00008; ExAC 0.00019; gnomAD exomes 0.00022; 1000 Genomes Project 0.00040; 1000 Genomes Project 30x 0.00047.
gnomAD v4.1: 269 of 1,613,284 alleles (0.017%); highest among the groups gnomAD compares: Admixed American, 0.11%; no homozygotes.

Submissions (2):

Fulgent Genetics
Classification: Uncertain significance for Adenine phosphoribosyltransferase deficiency. Last evaluated: 2024-06-04. Review status: criteria provided, single submitter. Criteria: ACMG Guidelines, 2015. Collection method: clinical testing. Allele origin: germline.

Labcorp Genetics (formerly Invitae), Labcorp
Classification: Uncertain significance. Last evaluated: 2021-11-12. Review status: criteria provided, single submitter. Criteria: Invitae Variant Classification Sherloc (09022015). Collection method: clinical testing. Allele origin: germline.
Comment: In summary, the available evidence is currently insufficient to determine the role of this variant in disease. Therefore, it has been classified as a Variant of Uncertain Significance. Algorithms developed to predict the effect of missense changes on protein structure and function are either unavailable or do not agree on the potential impact of this missense change (SIFT: "Deleterious"; PolyPhen-2: "Probably Damaging"; Align-GVGD: "Class C0"). This variant has not been reported in the literature in individuals affected with APRT-related conditions. This variant is present in population databases (rs75205792, gnomAD 0.05%). This sequence change replaces valine, which is neutral and non-polar, with methionine, which is neutral and non-polar, at codon 126 of the APRT protein (p.Val126Met).

NM_000485.3(APRT):c.376G>A (p.Val126Met)

Gene: APRT (adenine phosphoribosyltransferase; minus strand). Cytogenetic location: 16q24.3.
Variant type: single nucleotide variant.
Coding change: c.376G>A on transcript NM_000485.3 (MANE Select); coding-DNA position 376, G replaced by A.
Protein change: p.Val126Met; replaces valine 126 with methionine.
Molecular consequence: missense variant.
Genome position (GRCh38, 1-based): chr16:88,810,094, C>T on the plus strand (G>A on the coding strand, the complement: APRT is on the minus strand). VCF-style: chr16-88810094-C-T. GRCh37 (hg19) VCF-style: chr16-88876502-C-T.
Other names: c.376G>A, p.Val126Met (NM_001030018.2); short protein forms V126M.
Identifiers: ClinVar variation 1382571 (VCV001382571.6), dbSNP rs75205792, ClinGen allele CA8234428.
Genomic context (GRCh38, chr16:88,810,094, plus strand): 5'-TGGAGCCACAGCAGTTGGCTGCGGGGAGACCCTTACCACCAGTGGCCAGCAGATCATCCA[C>T]GACGACCACCCTCTGTCCTGGCTCCAGGGCGTCTTTCTGAATCTCCAGCTCAGCCTGGAG-3'
Protein context (NP_000476.1, residues 116-136): ALEPGQRVVV[Val126Met]DDLLATGGTM